The following is an entry in ClinVar:

ClinVar aggregate classification (germline): Likely pathogenic (1 of 4 stars; one submission).

Conditions:
Cutis laxa, X-linked (OHS). Also called: EDS IX; Occipital horn syndrome. Identifiers: Orphanet 198, MedGen C0268353, MONDO:0010572, OMIM 304150.

Submission:

Department of Pediatrics, Nagoya University Graduate School of Medicine
Classification: Likely pathogenic for Cutis laxa, X-linked. Last evaluated: 2026-02-17. Review status: criteria provided, single submitter. Criteria: ACMG Guidelines, 2015. Collection method: research, in vitro. Allele origin: unknown, not applicable. Affected: yes. Observed: 1 variant allele. Functional consequence: retained intron.
Comment: The ATP7A variant (NM_000052.7:c.3512-530G>C) is predicted to affect pre-mRNA splicing. RNA analysis demonstrated intron 17 retention, generating two aberrant transcripts with insertions of 71 bp and 222 bp. The 71-bp insertion causes an out-of-frame event that introduces a premature termination codon and is predicted to trigger nonsense-mediated mRNA decay (NMD). The 222-bp insertion is in-frame; however, the retained intronic sequence contains a premature stop codon, predicting early truncation of the ATP7A protein. This variant is absent from large population databases, including gnomAD. The individual carrying this variant has a clinical presentation consistent with an ATP7A-related disorder. Based on these findings, the following ACMG/AMP criteria were applied to classify this variant as Likely Pathogenic: PVS1 (RNA), PM2, and PP4.

NM_000052.7(ATP7A):c.3512-530G>C

Gene: ATP7A (ATPase copper transporting alpha; plus strand). Cytogenetic location: Xq21.1.
Variant type: single nucleotide variant.
Coding change: c.3512-530G>C on transcript NM_000052.7 (MANE Select); 530 bases into the intron before coding-DNA position 3512, G replaced by C.
Molecular consequence: intron variant.
Genome position (GRCh38, 1-based): chrX:78,038,306, G>C. VCF-style: chrX-78038306-G-C. GRCh37 (hg19) VCF-style: chrX-77293804-G-C.
Other names: c.3278-530G>C (NM_001282224.2).
Identifiers: ClinVar variation 4812822 (VCV004812822.1).